The following is an entry in ClinVar:

ClinVar aggregate classification (germline): Uncertain significance (1 of 4 stars; one submission).

Submission:

Mayo Clinic Laboratories, Mayo Clinic
Classification: Uncertain significance. Last evaluated: 2024-09-30. Review status: criteria provided, single submitter. Criteria: ACMG Guidelines, 2015. Collection method: clinical testing. Allele origin: germline. Observed: 2 variant alleles.
Comment: BP1, PM2_supporting

NM_000435.3(NOTCH3):c.3375G>C (p.Glu1125Asp)

Gene: NOTCH3 (notch receptor 3; minus strand). Cytogenetic location: 19p13.12.
Variant type: single nucleotide variant.
Coding change: c.3375G>C on transcript NM_000435.3 (MANE Select); coding-DNA position 3375, G replaced by C.
Protein change: p.Glu1125Asp; replaces glutamic acid 1125 with aspartic acid.
Molecular consequence: missense variant.
Genome position (GRCh38, 1-based): chr19:15,179,449, C>G on the plus strand (G>C on the coding strand, the complement: NOTCH3 is on the minus strand). VCF-style: chr19-15179449-C-G. GRCh37 (hg19) VCF-style: chr19-15290260-C-G.
Other names: p.Glu1125Asp; short protein forms E1125D.
Identifiers: ClinVar variation 3380592 (VCV003380592.2).